The following is an entry in ClinVar:

NM_000939.4(POMC):c.109C>T (p.Leu37Phe)

Gene: POMC (proopiomelanocortin; minus strand). Cytogenetic location: 2p23.3.
Variant type: single nucleotide variant.
Coding change: c.109C>T on transcript NM_000939.4 (MANE Select); coding-DNA position 109, C replaced by T.
Protein change: p.Leu37Phe; replaces leucine 37 with phenylalanine.
Molecular consequence: missense variant.
Genome position (GRCh38, 1-based): chr2:25,164,664, G>A on the plus strand (C>T on the coding strand, the complement: POMC is on the minus strand). VCF-style: chr2-25164664-G-A. GRCh37 (hg19) VCF-style: chr2-25387533-G-A.
Other names: c.109C>T, p.Leu37Phe (NM_001035256.3, NM_001319204.2, NM_001319205.2); short protein forms L37F.
Identifiers: ClinVar variation 4983584 (VCV004983584.1).
Genomic context (GRCh38, chr2:25,164,664, plus strand): 5'-AATGTCTAAGCCAAGATGGCAGTCATGGCCCACGTACCAGCAGGTTGCTTTCCGTGGTGA[G>A]GTCCTGACACTGGCTGCTCTCCAGGCACCAGCCACGCACTTCCATGGAGGCCTGAAGCAG-3'
Protein context (NP_000930.1, residues 27-47): WCLESSQCQD[Leu37Phe]TTESNLLECI

ClinVar aggregate classification (germline): Uncertain significance (1 of 4 stars; one submission).

Conditions:
POMC-related disorder. Also called: POMC-related disorders; POMC-related condition.

Submission:

PreventionGenetics, part of Exact Sciences
Classification: Uncertain significance for POMC-related condition. Last evaluated: 2024-10-04. Review status: criteria provided, single submitter. Criteria: ACMG Guidelines, 2015. Collection method: clinical testing. Allele origin: germline.
Comment: The POMC c.109C>T variant is predicted to result in the amino acid substitution p.Leu37Phe. This variant was reported in an individual with severe, early-onset obesity (Table 1, Lee et al. 2006. PubMed ID: 16459314). This variant is reported in 0.013% of alleles in individuals of South Asian descent in gnomAD. At this time, the clinical significance of this variant is uncertain due to the absence of conclusive functional and genetic evidence.